The following is an entry in ClinVar:

ClinVar aggregate classification (germline): Pathogenic (1 of 4 stars; one submission).

Conditions:
Deficiency of ferroxidase (ACEP). Also called: Ceruloplasmin deficiency; Familial apoceruloplasmin deficiency; Hereditary ceruloplasmin deficiency; Deficiency of ceruloplasmin; Aceruloplasminemia; NEURODEGENERATION WITH BRAIN IRON ACCUMULATION 10. Identifiers: Orphanet 48818, MedGen C0878682, MONDO:0011426, OMIM 604290, HP:0025498.

Submission:

Labcorp Genetics (formerly Invitae), Labcorp
Classification: Pathogenic for Deficiency of ferroxidase. Last evaluated: 2023-12-18. Review status: criteria provided, single submitter. Criteria: Invitae Variant Classification Sherloc (09022015). Collection method: clinical testing. Allele origin: germline.
Comment: This variant is a gross deletion of the genomic region encompassing exon(s) 6 of the CP gene. This deletion is out-of-frame, and is expected to create a premature termination codon and result in an absent or disrupted protein product. Loss-of-function variants in CP are known to be pathogenic (PMID: 16629161). This variant has not been reported in the literature in individuals affected with CP-related conditions. For these reasons, this variant has been classified as Pathogenic.

Literature cited by the submitters: PubMed 16629161.

NC_000003.12:g.(?_149206148)_(149206359_?)del

Gene: CP (ceruloplasmin; minus strand). Cytogenetic location: 3q25.1.
Variant type: Deletion.
Identifiers: ClinVar variation 532021 (VCV000532021.5).